The following is an entry in ClinVar:

ClinVar aggregate classification (germline): Uncertain significance (1 of 4 stars; one submission).

Conditions:
Cystic fibrosis (CF). Also called: MUCOVISCIDOSIS. Identifiers: Orphanet 586, MedGen C0010674, MONDO:0009061, OMIM 219700. Disease mechanism: loss of function.

Submission:

Ambry Genetics
Classification: Uncertain significance for Cystic fibrosis. Last evaluated: 2022-04-24. Review status: criteria provided, single submitter. Criteria: Ambry Variant Classification Scheme 2023. Collection method: clinical testing. Allele origin: germline.
Comment: The p.A981E variant (also known as c.2942C>A), located in coding exon 18 of the CFTR gene, results from a C to A substitution at nucleotide position 2942. The alanine at codon 981 is replaced by glutamic acid, an amino acid with dissimilar properties. This amino acid position is conserved. In addition, this alteration is predicted to be deleterious by in silico analysis. Since supporting evidence is limited at this time, the clinical significance of this alteration remains unclear.

NM_000492.4(CFTR):c.2942C>A (p.Ala981Glu)

Genes: CFTR (CF transmembrane conductance regulator; plus strand), CFTR-AS2 (CFTR antisense RNA 2; minus strand). Cytogenetic location: 7q31.2.
Variant type: single nucleotide variant.
Coding change: c.2942C>A on transcript NM_000492.4 (MANE Select); coding-DNA position 2942, C replaced by A.
Protein change: p.Ala981Glu; replaces alanine 981 with glutamic acid.
Molecular consequence: missense variant.
Genome position (GRCh38, 1-based): chr7:117,606,707, C>A. VCF-style: chr7-117606707-C-A. GRCh37 (hg19) VCF-style: chr7-117246761-C-A.
Other names: short protein forms A981E.
Identifiers: ClinVar variation 1797931 (VCV001797931.2), dbSNP rs2485125372, ClinGen allele CA368989072.